The following is an entry in ClinVar:

ClinVar aggregate classification (germline): Benign/Likely benign. Review status: criteria provided, multiple submitters, no conflicts (2 of 4 stars). 6 submissions from 6 submitters: Benign (1); Likely benign (5). Last evaluated 2025-07-13.

Conditions:
Classic or attenuated familial adenomatous polyposis. Identifiers: MedGen CN372698, MONDO:0021057.
Familial adenomatous polyposis 1 (FAP1). Also called: FAMILIAL ADENOMATOUS POLYPOSIS 1, ATTENUATED; POLYPOSIS, ADENOMATOUS INTESTINAL. Identifiers: MedGen C2713442, MONDO:0021056, OMIM 175100. Disease mechanism: loss of function.
Hereditary cancer-predisposing syndrome. Also called: Tumor predisposition; Hereditary neoplastic syndrome; Neoplastic Syndromes, Hereditary; Hereditary Cancer Syndrome. Identifiers: Orphanet 140162, MedGen C0027672, MeSH D009386, MONDO:0015356.

Allele frequency attached by ClinVar (database versions not stated): TOPMed below 0.00001.
gnomAD v4.1: 1 of 1,612,798 alleles (0.000062%); highest among the groups gnomAD compares: Non-Finnish European, 0.000085%; no homozygotes.

Submissions (6):

Labcorp Genetics (formerly Invitae), Labcorp
Classification: Likely benign for Familial adenomatous polyposis 1. Last evaluated: 2025-07-13. Review status: criteria provided, single submitter. Criteria: Invitae Variant Classification Sherloc (09022015). Collection method: clinical testing. Allele origin: germline.

All of Us Research Program, National Institutes of Health
Classification: Likely benign for Classic or attenuated familial adenomatous polyposis. Last evaluated: 2024-05-17. Review status: criteria provided, single submitter. Criteria: ACMG Guidelines, 2015. Collection method: clinical testing. Allele origin: germline. Inheritance: Autosomal dominant inheritance. Observed: 1 variant allele, 1 heterozygote.
Comment: This study involves interpretation of variants in research participants for the purpose of population health screening. Participant phenotype was not available at the time of variant classification. Additional details can be found in publication PMID: 35346344, PMCID: PMC8962531

Myriad Genetics, Inc.
Classification: Benign for Familial adenomatous polyposis 1. Last evaluated: 2024-04-02. Review status: criteria provided, single submitter. Criteria: Myriad Autosomal Dominant, Autosomal Recessive and X-Linked Classification Criteria (2023). Collection method: clinical testing. Allele origin: unknown.
Comment: This variant is considered benign. This variant is a silent/synonymous amino acid change and it is not expected to impact splicing.

Color Diagnostics, LLC DBA Color Health
Classification: Likely benign for Hereditary cancer-predisposing syndrome. Last evaluated: 2019-11-20. Review status: criteria provided, single submitter. Criteria: ACMG Guidelines, 2015. Collection method: clinical testing. Allele origin: germline.

Ambry Genetics
Classification: Likely benign for Hereditary cancer-predisposing syndrome. Last evaluated: 2018-02-09. Review status: criteria provided, single submitter. Criteria: Ambry Variant Classification Scheme 2023. Collection method: clinical testing. Allele origin: germline.

GeneDx
Classification: Likely benign. Last evaluated: 2016-02-15. Review status: criteria provided, single submitter. Criteria: GeneDx Variant Classification (06012015). Collection method: clinical testing. Allele origin: germline. Affected: yes.
Comment: This variant is considered likely benign or benign based on one or more of the following criteria: it is a conservative change, it occurs at a poorly conserved position in the protein, it is predicted to be benign by multiple in silico algorithms, and/or has population frequency not consistent with disease.

NM_000038.6(APC):c.5481C>A (p.Leu1827=)

Gene: APC (APC regulator of Wnt signaling pathway; plus strand). Cytogenetic location: 5q22.2.
Variant type: single nucleotide variant.
Coding change: c.5481C>A on transcript NM_000038.6 (MANE Select); coding-DNA position 5481, C replaced by A.
Protein change: p.Leu1827=; no amino-acid change (leucine 1827 retained).
Molecular consequence: synonymous variant.
Genome position (GRCh38, 1-based): chr5:112,841,075, C>A. VCF-style: chr5-112841075-C-A. GRCh37 (hg19) VCF-style: chr5-112176772-C-A.
Other names: c.5481C>A, p.Leu1827= (NM_001127510.3, NM_001354895.2); c.5427C>A, p.Leu1809= (NM_001127511.3); c.5535C>A, p.Leu1845= (NM_001354896.2); c.5511C>A, p.Leu1837= (NM_001354897.2); c.5406C>A, p.Leu1802= (NM_001354898.2); c.5397C>A, p.Leu1799= (NM_001354899.2); c.5358C>A, p.Leu1786= (NM_001354900.2); c.5304C>A, p.Leu1768= (NM_001354901.2); and 5 more.
Identifiers: ClinVar variation 380240 (VCV000380240.21), dbSNP rs774567729, ClinGen allele CA16604793.